The following is an entry in ClinVar:

ClinVar aggregate classification (germline): Uncertain significance (1 of 4 stars; one submission).

Conditions:
Arrhythmogenic cardiomyopathy with wooly hair and keratoderma. Also called: Carvajal syndrome; Arrhythmogenic cardiomyopathy with woolly hair and keratoderma; Dilated cardiomyopathy with woolly hair and keratoderma; PALMOPLANTAR KERATODERMA WITH LEFT VENTRICULAR CARDIOMYOPATHY AND WOOLLY HAIR. Identifiers: Orphanet 65282, MedGen C1854063, MONDO:0011581, OMIM 605676.
Arrhythmogenic right ventricular dysplasia 8 (ARVD8). Also called: ARRHYTHMOGENIC RIGHT VENTRICULAR DYSPLASIA, FAMILIAL, 8; ARRHYTHMOGENIC RIGHT VENTRICULAR CARDIOMYOPATHY 8; Arrhythmogenic Right Ventricular Dysplasia/Cardiomyopathy 8. Identifiers: MedGen C1843896, MONDO:0011831, OMIM 607450.

Submission:

Labcorp Genetics (formerly Invitae), Labcorp
Classification: Uncertain significance for Arrhythmogenic cardiomyopathy with wooly hair and keratoderma; Arrhythmogenic right ventricular dysplasia 8. Last evaluated: 2020-01-21. Review status: criteria provided, single submitter. Criteria: Invitae Variant Classification Sherloc (09022015). Collection method: clinical testing. Allele origin: germline.
Comment: In summary, the available evidence is currently insufficient to determine the role of this variant in disease. Therefore, it has been classified as a Variant of Uncertain Significance. Algorithms developed to predict the effect of missense changes on protein structure and function are either unavailable or do not agree on the potential impact of this missense change (SIFT: "Deleterious"; PolyPhen-2: "Probably Damaging"; Align-GVGD: "Class C15"). This variant has not been reported in the literature in individuals with DSP-related conditions. This variant is not present in population databases (ExAC no frequency). This sequence change replaces aspartic acid with asparagine at codon 2766 of the DSP protein (p.Asp2766Asn). The aspartic acid residue is highly conserved and there is a small physicochemical difference between aspartic acid and asparagine.

NM_004415.4(DSP):c.8296G>A (p.Asp2766Asn)

Gene: DSP (desmoplakin; plus strand). Cytogenetic location: 6p24.3.
Variant type: single nucleotide variant.
Coding change: c.8296G>A on transcript NM_004415.4 (MANE Select); coding-DNA position 8296, G replaced by A.
Protein change: p.Asp2766Asn; replaces aspartic acid 2766 with asparagine.
Molecular consequence: missense variant.
Genome position (GRCh38, 1-based): chr6:7,585,558, G>A. VCF-style: chr6-7585558-G-A. GRCh37 (hg19) VCF-style: chr6-7585791-G-A.
Other names: c.6499G>A, p.Asp2167Asn (NM_001008844.3); c.6967G>A, p.Asp2323Asn (NM_001319034.2); short protein forms D2167N, D2323N, D2766N.
Identifiers: ClinVar variation 1014473 (VCV001014473.9), dbSNP rs1759633378, ClinGen allele CA362694857.
Genomic context (GRCh38, chr6:7,585,558, plus strand): 5'-AGCACCGAAGAAGCCATCCGGAAGGGGTTCATAGATGGCCGCGCCGCACAGAGGCTGCAA[G>A]ACACCAGCAGCTATGCCAAAATCCTGACCTGCCCCAAAACCAAATTAAAAATATCCTATA-3'
Protein context (NP_004406.2, residues 2756-2776): IDGRAAQRLQ[Asp2766Asn]TSSYAKILTC